The following is an entry in ClinVar:

NM_000492.4(CFTR):c.54-1375T>A

Gene: CFTR (CF transmembrane conductance regulator; plus strand). Cytogenetic location: 7q31.2.
Variant type: single nucleotide variant.
Coding change: c.54-1375T>A on transcript NM_000492.4 (MANE Select); 1375 bases into the intron before coding-DNA position 54, T replaced by A.
Molecular consequence: intron variant.
Genome position (GRCh38, 1-based): chr7:117,502,878, T>A. VCF-style: chr7-117502878-T-A. GRCh37 (hg19) VCF-style: chr7-117142932-T-A.
Identifiers: ClinVar variation 4280029 (VCV004280029.1).

ClinVar aggregate classification (germline): Uncertain significance (1 of 4 stars; one submission).

Conditions:
Cystic fibrosis (CF). Also called: MUCOVISCIDOSIS. Identifiers: Orphanet 586, MedGen C0010674, MONDO:0009061, OMIM 219700. Disease mechanism: loss of function.

gnomAD v4.1: 1 of 152,196 alleles (0.00066%); highest among the groups gnomAD compares: Non-Finnish European, 0.0015%; no homozygotes.

Submission:

Johns Hopkins Genomics, Johns Hopkins University
Classification: Uncertain significance for Cystic fibrosis. Last evaluated: 2024-02-29. Review status: criteria provided, single submitter. Criteria: ACMG Guidelines, 2015. Collection method: clinical testing. Allele origin: germline.
Comment: PM2